The following is an entry in ClinVar:

NM_015965.7(NDUFA13):c.125C>A (p.Thr42Asn)

Genes: NDUFA13 (NADH:ubiquinone oxidoreductase subunit A13; plus strand), LOC125371495 (Sharpr-MPRA regulatory region 9511; plus strand). Cytogenetic location: 19p13.11.
Variant type: single nucleotide variant.
Coding change: c.125C>A on transcript NM_015965.7 (MANE Select); coding-DNA position 125, C replaced by A.
Protein change: p.Thr42Asn; replaces threonine 42 with asparagine.
Molecular consequence: missense variant.
Genome position (GRCh38, 1-based): chr19:19,526,212, C>A. VCF-style: chr19-19526212-C-A. GRCh37 (hg19) VCF-style: chr19-19637021-C-A.
Other names: short protein forms T42N.
Identifiers: ClinVar variation 2065711 (VCV002065711.1), dbSNP rs146785123, ClinGen allele CA9327689.

ClinVar aggregate classification (germline): Uncertain significance (1 of 4 stars; one submission).

Allele frequency attached by ClinVar (database versions not stated): gnomAD 0.00007; 1000 Genomes Project 30x 0.00016; 1000 Genomes Project 0.00020.
gnomAD v4.1: 218 of 1,614,162 alleles (0.014%); highest among the groups gnomAD compares: South Asian, 0.13%; 8 homozygotes.

Submission:

Labcorp Genetics (formerly Invitae), Labcorp
Classification: Uncertain significance. Last evaluated: 2022-09-27. Review status: criteria provided, single submitter. Criteria: Invitae Variant Classification Sherloc (09022015). Collection method: clinical testing. Allele origin: germline.
Comment: This sequence change replaces threonine, which is neutral and polar, with asparagine, which is neutral and polar, at codon 42 of the NDUFA13 protein (p.Thr42Asn). This variant is present in population databases (rs146785123, gnomAD 0.2%). This variant has not been reported in the literature in individuals affected with NDUFA13-related conditions. Algorithms developed to predict the effect of missense changes on protein structure and function are either unavailable or do not agree on the potential impact of this missense change (SIFT: "Deleterious"; PolyPhen-2: "Possibly Damaging"; Align-GVGD: "Class C0"). In summary, the available evidence is currently insufficient to determine the role of this variant in disease. Therefore, it has been classified as a Variant of Uncertain Significance.